The following is an entry in ClinVar:

ClinVar aggregate classification (germline): Likely pathogenic (1 of 4 stars; one submission).

Conditions:
Arrhythmogenic right ventricular dysplasia 12. Also called: ARRHYTHMOGENIC RIGHT VENTRICULAR DYSPLASIA, FAMILIAL, 12. Identifiers: MedGen C1969081, MONDO:0012684, OMIM 611528.
Naxos disease (NXD). Also called: WOOLLY HAIR, PALMOPLANTAR KERATODERMA, AND CARDIAC ABNORMALITIES; CARDIOMYOPATHY, ARRHYTHMOGENIC RIGHT VENTRICULAR, WITH SKIN, HAIR, AND NAIL ABNORMALITIES; KERATOSIS PALMOPLANTARIS WITH ARRHYTHMOGENIC CARDIOMYOPATHY; MAL DE NAXOS; PALMOPLANTAR KERATODERMA WITH ARRHYTHMOGENIC RIGHT VENTRICULAR CARDIOMYOPATHY AND WOOLLY HAIR. Identifiers: Orphanet 34217, MedGen C1832600, MONDO:0011017, OMIM 601214.

Allele frequency attached by ClinVar (database versions not stated): gnomAD exomes below 0.00001 and 0.00001; gnomAD 0.00001; TOPMed 0.00001; ExAC 0.00002; ESP Exome Variant Server 0.00008.
gnomAD v4.1: 3 of 1,613,294 alleles (0.00019%); highest among the groups gnomAD compares: African/African-American, 0.004%; no homozygotes.

Submission:

Labcorp Genetics (formerly Invitae), Labcorp
Classification: Likely pathogenic for Arrhythmogenic right ventricular dysplasia 12; Naxos disease. Last evaluated: 2025-05-18. Review status: criteria provided, single submitter. Criteria: Invitae Variant Classification Sherloc (09022015). Collection method: clinical testing. Allele origin: germline.
Comment: This sequence change affects a donor splice site in intron 2 of the JUP gene. It is expected to disrupt RNA splicing. Variants that disrupt the donor or acceptor splice site typically lead to a loss of protein function (PMID: 16199547), and loss-of-function variants in JUP are known to be pathogenic (PMID: 10902626). This variant is present in population databases (rs373761090, gnomAD 0.007%). This variant has not been reported in the literature in individuals affected with JUP-related conditions. ClinVar contains an entry for this variant (Variation ID: 663513). Algorithms developed to predict the effect of sequence changes on RNA splicing suggest that this variant may disrupt the consensus splice site. In summary, the currently available evidence indicates that the variant is pathogenic, but additional data are needed to prove that conclusively. Therefore, this variant has been classified as Likely Pathogenic.

Literature cited by the submitters: PubMed 16199547; PubMed 10902626.

NM_002230.4(JUP):c.208+1G>A

Gene: JUP (junction plakoglobin; minus strand). Cytogenetic location: 17q21.2.
Variant type: single nucleotide variant.
Coding change: c.208+1G>A on transcript NM_002230.4 (MANE Select); the canonical splice donor site of the intron after coding-DNA position 208, G replaced by A.
Molecular consequence: splice donor variant.
Genome position (GRCh38, 1-based): chr17:41,771,646, C>T on the plus strand (G>A on the coding strand, the complement: JUP is on the minus strand). VCF-style: chr17-41771646-C-T. GRCh37 (hg19) VCF-style: chr17-39927898-C-T.
Other names: c.208+1G>A (NM_001352774.2, NM_021991.4, NM_001352776.2 and 3 more transcripts).
Identifiers: ClinVar variation 663513 (VCV000663513.7), dbSNP rs373761090, ClinGen allele CA8565561.